The following is an entry in ClinVar:

ClinVar aggregate classification (germline): Likely benign. Review status: criteria provided, multiple submitters, no conflicts (2 of 4 stars). 2 submissions from 2 submitters: Likely benign (2). Last evaluated 2024-07-27.

Conditions:
MHC class I deficiency. Identifiers: Orphanet 34592, MedGen C6024714, MONDO:0011476.

Allele frequency attached by ClinVar (database versions not stated): ExAC 0.00002; gnomAD 0.00003; gnomAD exomes 0.00003; TOPMed 0.00004.
gnomAD v4.1: 45 of 1,607,206 alleles (0.0028%); highest among the groups gnomAD compares: Non-Finnish European, 0.0036%; no homozygotes.

Submissions (2):

Labcorp Genetics (formerly Invitae), Labcorp
Classification: Likely benign for MHC class I deficiency 1. Last evaluated: 2024-07-27. Review status: criteria provided, single submitter. Criteria: Invitae Variant Classification Sherloc (09022015). Collection method: clinical testing. Allele origin: germline.

CeGaT Center for Human Genetics Tuebingen
Classification: Likely benign. Last evaluated: 2024-04-01. Review status: criteria provided, single submitter. Criteria: CeGaT Center For Human Genetics Tuebingen Variant Classification Criteria Version 2. Collection method: clinical testing. Allele origin: germline. Affected: yes. Observed: 1 variant allele.
Comment: TAPBP: BP4, BP7

NM_003190.5(TAPBP):c.1176G>A (p.Ser392=)

Gene: TAPBP (TAP binding protein; minus strand). Cytogenetic location: 6p21.32.
Variant type: single nucleotide variant.
Coding change: c.1176G>A on transcript NM_003190.5 (MANE Select); coding-DNA position 1176, G replaced by A.
Protein change: p.Ser392=; no amino-acid change (serine 392 retained).
Molecular consequence: synonymous variant.
Genome position (GRCh38, 1-based): chr6:33,304,331, C>T on the plus strand (G>A on the coding strand, the complement: TAPBP is on the minus strand). VCF-style: chr6-33304331-C-T. GRCh37 (hg19) VCF-style: chr6-33272108-C-T.
Other names: c.1176G>A, p.Ser392= (NM_001410875.1, NM_172208.3); c.915G>A, p.Ser305= (NM_172209.3).
Identifiers: ClinVar variation 2192971 (VCV002192971.24), dbSNP rs768859558, ClinGen allele CA3755706.